The following is an entry in ClinVar:

NM_001256627.2(BRSK2):c.91+21210C>T

Gene: BRSK2 (BR serine/threonine kinase 2; plus strand). Cytogenetic location: 11p15.5.
Variant type: single nucleotide variant.
Coding change: c.91+21210C>T on transcript NM_001256627.2 (MANE Select); 21210 bases into the intron after coding-DNA position 91, C replaced by T.
Molecular consequence: intron variant. On other transcripts: missense variant (1).
Genome position (GRCh38, 1-based): chr11:1,411,585, C>T. VCF-style: chr11-1411585-C-T. GRCh37 (hg19) VCF-style: chr11-1432815-C-T.
Other names: c.181C>T, p.His61Tyr (NM_001256630.1); c.91+21210C>T (NM_001256629.2, NM_003957.4); c.-90+679C>T (NM_001282218.2); short protein forms H61Y.
Identifiers: ClinVar variation 2632192 (VCV002632192.1), dbSNP rs2539042512, ClinGen allele CA379051488.

ClinVar aggregate classification (germline): Uncertain significance (1 of 4 stars; one submission).

Conditions:
BRSK2-related disorder. Also called: BRSK2-related condition; BRSK2-Related Disorders.

Submission:

PreventionGenetics, part of Exact Sciences
Classification: Uncertain significance for BRSK2-related condition. Last evaluated: 2023-06-22. Review status: criteria provided, single submitter. Criteria: ACMG Guidelines, 2015. Collection method: clinical testing. Allele origin: germline.
Comment: The BRSK2 c.181C>T variant is predicted to result in the amino acid substitution p.His61Tyr. To our knowledge, this variant has not been reported in the literature or in a large population database, indicating this variant is rare. At this time, the clinical significance of this variant is uncertain due to the absence of conclusive functional and genetic evidence.